The following is an entry in ClinVar:

NM_001035.3(RYR2):c.11440G>A (p.Ala3814Thr)

Gene: RYR2 (ryanodine receptor 2; plus strand). Cytogenetic location: 1q43.
Variant type: single nucleotide variant.
Coding change: c.11440G>A on transcript NM_001035.3 (MANE Select); coding-DNA position 11440, G replaced by A.
Protein change: p.Ala3814Thr; replaces alanine 3814 with threonine.
Molecular consequence: missense variant.
Genome position (GRCh38, 1-based): chr1:237,760,992, G>A. VCF-style: chr1-237760992-G-A. GRCh37 (hg19) VCF-style: chr1-237924292-G-A.
Other names: short protein forms A3814T.
Identifiers: ClinVar variation 922519 (VCV000922519.5), dbSNP rs1693387167, ClinGen allele CA345430011.

ClinVar aggregate classification (germline): Uncertain significance (1 of 4 stars; one submission).

Conditions:
Cardiomyopathy (CMYO). Also called: Cardiomyopathies. Identifiers: Orphanet 167848, MedGen C0878544, MONDO:0004994, HP:0001638. Inheritance: Various modes of inheritance.

Submission:

Color Diagnostics, LLC DBA Color Health
Classification: Uncertain significance for Cardiomyopathy. Last evaluated: 2023-12-05. Review status: criteria provided, single submitter. Criteria: ACMG Guidelines, 2015. Collection method: clinical testing. Allele origin: germline.
Comment: This missense variant replaces alanine with threonine at codon 3814 of the RYR2 protein. Computational prediction tools and conservation analyses suggest that this variant may have deleterious impact on the protein function. Computational splicing tools suggest that this variant may not impact RNA splicing. To our knowledge, functional assays have not been performed for this variant nor has this variant been reported in individuals affected with cardiovascular disorders in the literature. This variant has not been identified in the general population by the Genome Aggregation Database (gnomAD). Available evidence is insufficient to determine the role of this variant in disease conclusively. Therefore, this variant is classified as a Variant of Uncertain Significance.